The following is an entry in ClinVar:

NM_000503.6(EYA1):c.974T>C (p.Phe325Ser)

Gene: EYA1 (EYA transcriptional coactivator and phosphatase 1; minus strand). Cytogenetic location: 8q13.3.
Variant type: single nucleotide variant.
Coding change: c.974T>C on transcript NM_000503.6 (MANE Select); coding-DNA position 974, T replaced by C.
Protein change: p.Phe325Ser; replaces phenylalanine 325 with serine.
Molecular consequence: missense variant.
Genome position (GRCh38, 1-based): chr8:71,269,816, A>G on the plus strand (T>C on the coding strand, the complement: EYA1 is on the minus strand). VCF-style: chr8-71269816-A-G. GRCh37 (hg19) VCF-style: chr8-72182051-A-G.
Other names: c.956T>C, p.Phe319Ser (NM_001288574.2); c.608T>C, p.Phe203Ser (NM_001288575.2); c.1061T>C, p.Phe354Ser (NM_001370333.1); c.974T>C, p.Phe325Ser (NM_001370334.1, NM_001370335.1, NM_172058.4); c.1043T>C, p.Phe348Ser (NM_001370336.1); c.875T>C, p.Phe292Ser (NM_001411797.1, NM_172060.4); c.1046T>C, p.Phe349Ser (NM_172059.5); short protein forms F203S, F292S, F319S, F325S, F348S, F349S, F354S.
Identifiers: ClinVar variation 3363633 (VCV003363633.1).

ClinVar aggregate classification (germline): Uncertain significance (1 of 4 stars; one submission).

Submission:

GeneDx
Classification: Uncertain significance. Last evaluated: 2023-11-02. Review status: criteria provided, single submitter. Criteria: GeneDx Variant Classification Process June 2021. Collection method: clinical testing. Allele origin: germline. Affected: yes.
Comment: Not observed at significant frequency in large population cohorts (gnomAD); In silico analysis supports that this missense variant has a deleterious effect on protein structure/function; Has not been previously published as pathogenic or benign to our knowledge